The following is an entry in ClinVar:

ClinVar aggregate classification (germline): Uncertain significance (1 of 4 stars; one submission).

gnomAD v4.1: 144 of 1,610,144 alleles (0.0089%); highest among the groups gnomAD compares: Admixed American, 0.027%; no homozygotes.

Submission:

GeneDx
Classification: Uncertain significance. Last evaluated: 2026-03-28. Review status: criteria provided, single submitter. Criteria: GeneDx Variant Classification Process June 2021. Collection method: clinical testing. Allele origin: germline.
Comment: In silico analysis supports that this missense variant has a deleterious effect on protein structure/function; Has not been previously published as pathogenic or benign to our knowledge

NM_020314.7(VPS35L):c.1091C>T (p.Thr364Met)

Gene: VPS35L (VPS35 endosomal protein sorting factor like; plus strand). Cytogenetic location: 16p12.3.
Variant type: single nucleotide variant.
Coding change: c.1091C>T on transcript NM_020314.7 (MANE Select); coding-DNA position 1091, C replaced by T.
Protein change: p.Thr364Met; replaces threonine 364 with methionine.
Molecular consequence: missense variant. On other transcripts: non-coding transcript variant (1), intron variant (2).
Genome position (GRCh38, 1-based): chr16:19,616,181, C>T. VCF-style: chr16-19616181-C-T. GRCh37 (hg19) VCF-style: chr16-19627503-C-T.
Other names: c.1091C>T, p.Thr364Met (NM_001365293.2); c.203C>T, p.Thr68Met (NM_001365295.2); c.1023+5766C>T (NM_001365294.2, NM_001300743.3); short protein forms T364M, T68M.
Identifiers: ClinVar variation 5017848 (VCV005017848.1).
Genomic context (GRCh38, chr16:19,616,181, plus strand): 5'-TGGAAGTGGCCCCACATCTCAAAGAAACCCTAAATAAGAACTTTTTTGACTTCCTCCTTA[C>T]GTTCAAACAGGTAAGAGAACACTATCAGAATAGCTCATCGATATAACAGTTCTATGATAG-3'
Protein context (NP_064710.5, residues 354-374): LNKNFFDFLL[Thr364Met]FKQIHGDTVQ